The following is an entry in ClinVar:

ClinVar aggregate classification (germline): Uncertain significance (1 of 4 stars; one submission).

Conditions:
Intellectual developmental disorder, autosomal dominant 1. Also called: Intellectual disability, autosomal dominant 1; MBD5 Haploinsufficiency. Identifiers: Orphanet 228402, MedGen C1969562, MONDO:0007974, OMIM 156200.

Submission:

Labcorp Genetics (formerly Invitae), Labcorp
Classification: Uncertain significance for Intellectual developmental disorder, autosomal dominant 1. Last evaluated: 2020-08-05. Review status: criteria provided, single submitter. Criteria: Invitae Variant Classification Sherloc (09022015). Collection method: clinical testing. Allele origin: germline.
Comment: In summary, the available evidence is currently insufficient to determine the role of this variant in disease. Therefore, it has been classified as a Variant of Uncertain Significance. Algorithms developed to predict the effect of missense changes on protein structure and function are either unavailable or do not agree on the potential impact of this missense change (SIFT: "Deleterious"; PolyPhen-2: "Possibly Damaging"; Align-GVGD: "Class C0"). This variant has not been reported in the literature in individuals with MBD5-related conditions. This variant is not present in population databases (ExAC no frequency). This sequence change replaces proline with leucine at codon 17 of the MBD5 protein (p.Pro17Leu). The proline residue is highly conserved and there is a moderate physicochemical difference between proline and leucine.

NM_001378120.1(MBD5):c.50C>T (p.Pro17Leu)

Gene: MBD5 (methyl-CpG binding domain protein 5; plus strand). Cytogenetic location: 2q23.1.
Variant type: single nucleotide variant.
Coding change: c.50C>T on transcript NM_001378120.1 (MANE Select); coding-DNA position 50, C replaced by T.
Protein change: p.Pro17Leu; replaces proline 17 with leucine.
Molecular consequence: missense variant.
Genome position (GRCh38, 1-based): chr2:148,458,808, C>T. VCF-style: chr2-148458808-C-T. GRCh37 (hg19) VCF-style: chr2-149216377-C-T.
Other names: c.50C>T, p.Pro17Leu (NM_018328.5); short protein forms P17L.
Identifiers: ClinVar variation 1043734 (VCV001043734.9), dbSNP rs1706964965, ClinGen allele CA348715458.
Genomic context (GRCh38, chr2:148,458,808, plus strand): 5'-AGACACAGAAAATGAATGGAGGCAAAGAGTGTGACGGAGGGGACAAGGAAGGAGGTCTTC[C>T]AGCTATACAAGTTCCTGTGGGTTGGCAGCGTCGTGTGGATCAAAATGGAGTGCTTTATGT-3'
Protein context (NP_001365049.1, residues 7-27): CDGGDKEGGL[Pro17Leu]AIQVPVGWQR